The following is an entry in ClinVar:

ClinVar aggregate classification (germline): Likely pathogenic (1 of 4 stars; one submission).

Conditions:
Fabry disease. Also called: ALPHA-GALACTOSIDASE A DEFICIENCY; ANDERSON-FABRY DISEASE; CERAMIDE TRIHEXOSIDASE DEFICIENCY; GLA DEFICIENCY; HEREDITARY DYSTOPIC LIPIDOSIS; Angiokeratoma corporis diffusum. Identifiers: Orphanet 324, MedGen C0002986, MONDO:0010526, OMIM 301500, HP:0001071. Disease mechanism: Fabry disease is due to inactivating mutations in the X-linked GLA gene resulting in deficiency of the enzyme Alpha Galactosidase-A., loss of function.

Submission:

Genomenon, Inc
Classification: Likely pathogenic for Fabry disease. Last evaluated: 2026-09-08. Review status: criteria provided, single submitter. Criteria: Genomenon Sequence Variant Interpretation Standards - Updated. Collection method: curation. Allele origin: germline. Affected: yes.
Comment: GLA p.Ala37Val (c.110C>T) is a missense variant that changes the amino acid at codon 37 from Alanine to Valine. This variant has been observed in at least one proband with clinical features consistent with Fabry disease (PMID:20300124;30386727;30988410). Functional or patient cell studies have been reported (PMID:32843101;20300124;27657681). It is absent or not present at a significant frequency in gnomAD. In silico models predict that this variant is possibly or probably damaging. In conclusion, we classify GLA p.Ala37Val (c.110C>T) as a likely pathogenic variant.

Literature cited by the submitters: PubMed 20300124; PubMed 30386727; PubMed 30988410; PubMed 32843101; PubMed 27657681.

NM_000169.3(GLA):c.110C>T (p.Ala37Val)

Genes: GLA (galactosidase alpha; minus strand), RPL36A-HNRNPH2 (RPL36A-HNRNPH2 readthrough; plus strand). Cytogenetic location: Xq22.1.
Variant type: single nucleotide variant.
Coding change: c.110C>T on transcript NM_000169.3 (MANE Select); coding-DNA position 110, C replaced by T.
Protein change: p.Ala37Val; replaces alanine 37 with valine.
Molecular consequence: missense variant. On other transcripts: non-coding transcript variant (3), intron variant (2).
Genome position (GRCh38, 1-based): chrX:101,407,794, G>A on the plus strand (C>T on the coding strand, the complement: GLA is on the minus strand). VCF-style: chrX-101407794-G-A. GRCh37 (hg19) VCF-style: chrX-100662782-G-A.
Other names: c.110C>T, p.Ala37Val (NM_001406747.1, NM_001406748.1, NM_001406749.1); c.301-4142G>A (NM_001199973.2); c.178-4142G>A (NM_001199974.2); short protein forms A37V.
Identifiers: ClinVar variation 4087540 (VCV004087540.2).